The following is an entry in ClinVar:

NM_002506.3(NGF):c.43G>C (p.Gly15Arg)

Genes: NGF (nerve growth factor; minus strand), NGF-AS1 (NGF antisense RNA 1; plus strand). Cytogenetic location: 1p13.2.
Variant type: single nucleotide variant.
Coding change: c.43G>C on transcript NM_002506.3 (MANE Select); coding-DNA position 43, G replaced by C.
Protein change: p.Gly15Arg; replaces glycine 15 with arginine.
Molecular consequence: missense variant.
Genome position (GRCh38, 1-based): chr1:115,286,753, C>G on the plus strand (G>C on the coding strand, the complement: NGF is on the minus strand). VCF-style: chr1-115286753-C-G. GRCh37 (hg19) VCF-style: chr1-115829374-C-G.
Other names: short protein forms G15R.
Identifiers: ClinVar variation 1472892 (VCV001472892.6), dbSNP rs181255687, ClinGen allele CA1023078.

ClinVar aggregate classification (germline): Uncertain significance (1 of 4 stars; one submission).

Conditions:
Congenital sensory neuropathy with selective loss of small myelinated fibers (HSAN5). Also called: HSAN Type V. Identifiers: Orphanet 64752, MedGen C0020075, MONDO:0012092, OMIM 608654.

Allele frequency attached by ClinVar (database versions not stated): 1000 Genomes Project 0.00040; 1000 Genomes Project 30x 0.00062.
gnomAD v4.1: 19 of 1,614,040 alleles (0.0012%); highest among the groups gnomAD compares: Admixed American, 0.028%; no homozygotes.

Submission:

Labcorp Genetics (formerly Invitae), Labcorp
Classification: Uncertain significance for Congenital sensory neuropathy with selective loss of small myelinated fibers. Last evaluated: 2022-03-11. Review status: criteria provided, single submitter. Criteria: Invitae Variant Classification Sherloc (09022015). Collection method: clinical testing. Allele origin: germline.
Comment: In summary, the available evidence is currently insufficient to determine the role of this variant in disease. Therefore, it has been classified as a Variant of Uncertain Significance. Algorithms developed to predict the effect of sequence changes on RNA splicing suggest that this variant may create or strengthen a splice site. Algorithms developed to predict the effect of missense changes on protein structure and function (SIFT, PolyPhen-2, Align-GVGD) all suggest that this variant is likely to be disruptive. This variant has not been reported in the literature in individuals affected with NGF-related conditions. This variant is present in population databases (rs181255687, gnomAD 0.006%). This sequence change replaces glycine, which is neutral and non-polar, with arginine, which is basic and polar, at codon 15 of the NGF protein (p.Gly15Arg).